The following is an entry in ClinVar:

ClinVar aggregate classification (germline): Uncertain significance. Review status: criteria provided, multiple submitters, no conflicts (2 of 4 stars). 2 submissions from 2 submitters: Uncertain significance (2). Last evaluated 2022-09-23.

Conditions:
Pyruvate carboxylase deficiency. Also called: Pyruvate Carboxylase Deficiency Disease; ATAXIA WITH LACTIC ACIDOSIS II; LEIGH NECROTIZING ENCEPHALOPATHY DUE TO PYRUVATE CARBOXYLASE DEFICIENCY; LEIGH SYNDROME DUE TO PYRUVATE CARBOXYLASE DEFICIENCY; PC DEFICIENCY. Identifiers: Orphanet 3008, MedGen C0034341, MONDO:0009949, OMIM 266150.

Allele frequency attached by ClinVar (database versions not stated): TOPMed below 0.00001; gnomAD 0.00001; gnomAD exomes 0.00001.
gnomAD v4.1: 8 of 1,608,206 alleles (0.0005%); highest among the groups gnomAD compares: East Asian, 0.0067%; no homozygotes.

Submissions (2):

Laboratorio de Genetica e Diagnostico Molecular, Hospital Israelita Albert Einstein
Classification: Uncertain significance for Pyruvate carboxylase deficiency. Last evaluated: 2022-09-23. Review status: criteria provided, single submitter. Criteria: ACMG Guidelines, 2015. Collection method: clinical testing. Allele origin: germline. Affected: yes. Observed: 1 variant allele.
Comment: ACMG classification criteria: PM2 moderated, PP3 supporting

Breakthrough Genomics
Classification: Uncertain significance. Review status: criteria provided, single submitter. Criteria: ACMG Guidelines, 2015. Collection method: not provided. Allele origin: germline. Inheritance: Autosomal recessive inheritance. Affected: yes.

NM_001040716.2(PC):c.160C>T (p.Arg54Trp)

Gene: PC (pyruvate carboxylase; minus strand). Cytogenetic location: 11q13.2.
Variant type: single nucleotide variant.
Coding change: c.160C>T on transcript NM_001040716.2 (MANE Select); coding-DNA position 160, C replaced by T.
Protein change: p.Arg54Trp; replaces arginine 54 with tryptophan.
Molecular consequence: missense variant.
Genome position (GRCh38, 1-based): chr11:66,871,848, G>A on the plus strand (C>T on the coding strand, the complement: PC is on the minus strand). VCF-style: chr11-66871848-G-A. GRCh37 (hg19) VCF-style: chr11-66639319-G-A.
Other names: c.160C>T, p.Arg54Trp (NM_000920.4, NM_022172.3); short protein forms R54W.
Identifiers: ClinVar variation 2431707 (VCV002431707.2), dbSNP rs1234297365, ClinGen allele CA381503187.